The following is an entry in ClinVar:

NM_184085.2(TRIM55):c.1581T>C (p.Ser527=)

Gene: TRIM55 (tripartite motif containing 55; plus strand). Cytogenetic location: 8q13.1.
Variant type: single nucleotide variant.
Coding change: c.1581T>C on transcript NM_184085.2 (MANE Select); coding-DNA position 1581, T replaced by C.
Protein change: p.Ser527=; no amino-acid change (serine 527 retained).
Molecular consequence: synonymous variant. On other transcripts: 3 prime UTR variant (1).
Genome position (GRCh38, 1-based): chr8:66,174,527, T>C. VCF-style: chr8-66174527-T-C. GRCh37 (hg19) VCF-style: chr8-67086762-T-C.
Other names: c.1581T>C (NM_184085.1); c.*46T>C (NM_033058.3); c.1293T>C, p.Ser431= (NM_184086.2); c.660T>C, p.Ser220= (NM_184087.2).
Identifiers: ClinVar variation 2658632 (VCV002658632.25), dbSNP rs61753689, ClinGen allele CA4766090.

ClinVar aggregate classification (germline): Likely benign. Review status: criteria provided, single submitter (1 of 4 stars). 2 submissions from 2 submitters: Likely benign (1). 1 of the submissions does not count toward it. Last evaluated 2023-05-01.

Conditions:
TRIM55-related disorder. Also called: TRIM55-related condition.

Allele frequency attached by ClinVar (database versions not stated): 1000 Genomes Project 30x 0.00281; TOPMed 0.00297; ESP Exome Variant Server 0.00323; gnomAD 0.00335; 1000 Genomes Project 0.00339.
gnomAD v4.1: 5,941 of 1,612,040 alleles (0.37%); highest among the groups gnomAD compares: South Asian, 0.64%; 20 homozygotes.

Submissions (2):

CeGaT Center for Human Genetics Tuebingen
Classification: Likely benign. Last evaluated: 2023-05-01. Review status: criteria provided, single submitter. Criteria: CeGaT Center For Human Genetics Tuebingen Variant Classification Criteria Version 2. Collection method: clinical testing. Allele origin: germline. Affected: yes. Observed: 1 variant allele.
Comment: TRIM55: BP4, BP7, BS2

PreventionGenetics, part of Exact Sciences
Classification: Likely benign for TRIM55-related condition. Last evaluated: 2019-03-22. Review status: no assertion criteria provided. Collection method: clinical testing. Allele origin: germline. Not counted in ClinVar's aggregate classification.
Comment: This variant is classified as likely benign based on ACMG/AMP sequence variant interpretation guidelines (Richards et al. 2015 PMID: 25741868, with internal and published modifications).